The following is an entry in ClinVar:

NM_001008537.3(NEXMIF):c.1563T>A (p.Asp521Glu)

Gene: NEXMIF (neurite extension and migration factor; minus strand). Cytogenetic location: Xq13.3.
Variant type: single nucleotide variant.
Coding change: c.1563T>A on transcript NM_001008537.3 (MANE Select); coding-DNA position 1563, T replaced by A.
Protein change: p.Asp521Glu; replaces aspartic acid 521 with glutamic acid.
Molecular consequence: missense variant.
Genome position (GRCh38, 1-based): chrX:74,742,994, A>T on the plus strand (T>A on the coding strand, the complement: NEXMIF is on the minus strand). VCF-style: chrX-74742994-A-T. GRCh37 (hg19) VCF-style: chrX-73962829-A-T.
Other names: short protein forms D521E.
Identifiers: ClinVar variation 3339401 (VCV003339401.1).

ClinVar aggregate classification (germline): Uncertain significance (1 of 4 stars; one submission).

Submission:

Women's Health and Genetics/Laboratory Corporation of America, LabCorp
Classification: Uncertain significance. Last evaluated: 2024-07-22. Review status: criteria provided, single submitter. Criteria: LabCorp Variant Classification Summary - May 2015. Collection method: clinical testing. Allele origin: germline.
Comment: Variant summary: NEXMIF c.1563T>A (p.Asp521Glu) results in a conservative amino acid change located in the Domain of unknown function DUF4683 (IPR032757) of the encoded protein sequence. Three of five in-silico tools predict a benign effect of the variant on protein function. The variant was absent in 180594 control chromosomes. The available data on variant occurrences in the general population are insufficient to allow any conclusion about variant significance. To our knowledge, no occurrence of c.1563T>A in individuals affected with Intellectual Developmental Disorder, X-Linked 98 and no experimental evidence demonstrating its impact on protein function have been reported. No submitters have cited clinical-significance assessments for this variant to ClinVar. Based on the evidence outlined above, the variant was classified as uncertain significance.